The following is an entry in ClinVar:

ClinVar aggregate classification (germline): Uncertain significance (1 of 4 stars; one submission).

Conditions:
Hereditary pancreatitis (PCTT). Also called: Hereditary chronic pancreatitis; PRSS1-Related Hereditary Pancreatitis. Identifiers: Orphanet 676, MedGen C0238339, MONDO:0008185, OMIM 167800.

gnomAD v4.1: 1 of 1,613,504 alleles (0.000062%); highest among the groups gnomAD compares: East Asian, 0.0022%; no homozygotes.

Submission:

Ambry Genetics
Classification: Uncertain significance for Hereditary pancreatitis. Last evaluated: 2025-07-28. Review status: criteria provided, single submitter. Criteria: Ambry Variant Classification Scheme 2023. Collection method: clinical testing. Allele origin: germline.
Comment: The p.C220W variant (also known as c.660T>G), located in coding exon 5 of the PRSS1 gene, results from a T to G substitution at nucleotide position 660. The cysteine at codon 220 is replaced by tryptophan, an amino acid with highly dissimilar properties. This amino acid position is conserved. In addition, this alteration is predicted to be deleterious by in silico analysis. Based on the available evidence, the clinical significance of this variant remains unclear.

NM_002769.5(PRSS1):c.660T>G (p.Cys220Trp)

Genes: PRSS1 (serine protease 1; plus strand), TRB (T cell receptor beta locus; plus strand). Cytogenetic location: 7q34.
Variant type: single nucleotide variant.
Coding change: c.660T>G on transcript NM_002769.5 (MANE Select); coding-DNA position 660, T replaced by G.
Protein change: p.Cys220Trp; replaces cysteine 220 with tryptophan.
Molecular consequence: missense variant. On other transcripts: non-coding transcript variant (5).
Genome position (GRCh38, 1-based): chr7:142,752,936, T>G. VCF-style: chr7-142752936-T-G. GRCh37 (hg19) VCF-style: chr7-142460787-T-G.
Other names: short protein forms C220W.
Identifiers: ClinVar variation 4145691 (VCV004145691.1).